The following is an entry in ClinVar:

ClinVar aggregate classification (germline): Uncertain significance (1 of 4 stars; one submission).

Conditions:
Anemia, nonspherocytic hemolytic, due to G6PD deficiency (CNSHA1). Also called: ANEMIA, CONGENITAL, NONSPHEROCYTIC HEMOLYTIC, 1; Hemolytic anemia due to G6PD deficiency; Class I glucose-6-phosphate dehydrogenase deficiency; Favism, susceptibility to. Identifiers: Orphanet 466026, MedGen C2720289, MONDO:0010480, OMIM 300908.

Allele frequency attached by ClinVar (database versions not stated): ExAC 0.00001; gnomAD exomes 0.00001; TOPMed 0.00002; gnomAD 0.00005.
gnomAD v4.1: 15 of 1,210,468 alleles (0.0012%); highest among the groups gnomAD compares: African/African-American, 0.0017%; no homozygotes.

Submission:

Labcorp Genetics (formerly Invitae), Labcorp
Classification: Uncertain significance for Anemia, nonspherocytic hemolytic, due to G6PD deficiency. Last evaluated: 2023-09-08. Review status: criteria provided, single submitter. Criteria: Invitae Variant Classification Sherloc (09022015). Collection method: clinical testing. Allele origin: germline.
Comment: Algorithms developed to predict the effect of missense changes on protein structure and function output the following: SIFT: "Not Available"; PolyPhen-2: "Benign"; Align-GVGD: "Not Available". The cysteine amino acid residue is found in multiple mammalian species, which suggests that this missense change does not adversely affect protein function. In summary, the available evidence is currently insufficient to determine the role of this variant in disease. Therefore, it has been classified as a Variant of Uncertain Significance. This variant has not been reported in the literature in individuals affected with G6PD-related conditions. This variant is present in population databases (rs782372471, gnomAD 0.002%). This sequence change replaces arginine, which is basic and polar, with cysteine, which is neutral and slightly polar, at codon 104 of the G6PD protein (p.Arg104Cys).

NM_001360016.2(G6PD):c.310C>T (p.Arg104Cys)

Gene: G6PD (glucose-6-phosphate dehydrogenase; minus strand). Cytogenetic location: Xq28.
Variant type: single nucleotide variant.
Coding change: c.310C>T on transcript NM_001360016.2 (MANE Select); coding-DNA position 310, C replaced by T.
Protein change: p.Arg104Cys; replaces arginine 104 with cysteine.
Molecular consequence: missense variant.
Genome position (GRCh38, 1-based): chrX:154,535,343, G>A on the plus strand (C>T on the coding strand, the complement: G6PD is on the minus strand). VCF-style: chrX-154535343-G-A. GRCh37 (hg19) VCF-style: chrX-153763558-G-A.
Other names: c.400C>T, p.Arg134Cys (NM_000402.4); c.310C>T, p.Arg104Cys (NM_001042351.3); short protein forms R134C, R104C.
Identifiers: ClinVar variation 2887188 (VCV002887188.1), dbSNP rs782372471, ClinGen allele CA10566268.